The following is an entry in ClinVar:

NM_000256.3(MYBPC3):c.3656T>C (p.Leu1219Pro)

Gene: MYBPC3 (myosin binding protein C3; minus strand). Cytogenetic location: 11p11.2.
Variant type: single nucleotide variant.
Coding change: c.3656T>C on transcript NM_000256.3 (MANE Select); coding-DNA position 3656, T replaced by C.
Protein change: p.Leu1219Pro; replaces leucine 1219 with proline.
Molecular consequence: missense variant.
Genome position (GRCh38, 1-based): chr11:47,332,230, A>G on the plus strand (T>C on the coding strand, the complement: MYBPC3 is on the minus strand). VCF-style: chr11-47332230-A-G. GRCh37 (hg19) VCF-style: chr11-47353781-A-G.
Other names: short protein forms L1219P.
Identifiers: ClinVar variation 4709823 (VCV004709823.1).

ClinVar aggregate classification (germline): Uncertain significance (1 of 4 stars; one submission).

Conditions:
Hypertrophic cardiomyopathy. Also called: HYPERTROPHIC MYOCARDIOPATHY. Identifiers: Orphanet 217569, MedGen C0007194, MeSH D002312, MONDO:0005045, HP:0001639.

gnomAD v4.1: 4 of 1,613,872 alleles (0.00025%); highest among the groups gnomAD compares: Non-Finnish European, 0.00025%; no homozygotes.

Submission:

Labcorp Genetics (formerly Invitae), Labcorp
Classification: Uncertain significance for Hypertrophic cardiomyopathy. Last evaluated: 2026-01-04. Review status: criteria provided, single submitter. Criteria: Invitae Variant Classification Sherloc (09022015). Collection method: clinical testing. Allele origin: germline.
Comment: This sequence change replaces leucine, which is neutral and non-polar, with proline, which is neutral and non-polar, at codon 1219 of the MYBPC3 protein (p.Leu1219Pro). This variant is not present in population databases (gnomAD no frequency). This missense change has been observed in individual(s) with hypertrophic cardiomyopathy (PMID: 21959974, 27532257). An algorithm developed to predict the effect of missense changes on protein structure and function (PolyPhen-2) suggests that this variant is likely to be disruptive. In summary, the available evidence is currently insufficient to determine the role of this variant in disease. Therefore, it has been classified as a Variant of Uncertain Significance.

Literature cited by the submitters: PubMed 21959974; PubMed 27532257.